The following is an entry in ClinVar:

NM_001040108.2(MLH3):c.1790G>T (p.Ser597Ile)

Gene: MLH3 (mutL homolog 3; minus strand). Cytogenetic location: 14q24.3.
Variant type: single nucleotide variant.
Coding change: c.1790G>T on transcript NM_001040108.2 (MANE Select); coding-DNA position 1790, G replaced by T.
Protein change: p.Ser597Ile; replaces serine 597 with isoleucine.
Molecular consequence: missense variant.
Genome position (GRCh38, 1-based): chr14:75,047,866, C>A on the plus strand (G>T on the coding strand, the complement: MLH3 is on the minus strand). VCF-style: chr14-75047866-C-A. GRCh37 (hg19) VCF-style: chr14-75514569-C-A.
Other names: c.1790G>T, p.Ser597Ile (NM_014381.3); short protein forms S597I.
Identifiers: ClinVar variation 970467 (VCV000970467.10), dbSNP rs1892364678, ClinGen allele CA390444278.

ClinVar aggregate classification (germline): Uncertain significance. Review status: criteria provided, multiple submitters, no conflicts (2 of 4 stars). 2 submissions from 2 submitters: Uncertain significance (2). Last evaluated 2024-02-24.

Conditions:
Colorectal cancer, hereditary nonpolyposis, type 7. Identifiers: Orphanet 144, MedGen C1858380, MONDO:0013725, OMIM 614385.

Submissions (2):

Ambry Genetics
Classification: Uncertain significance. Last evaluated: 2024-02-24. Review status: criteria provided, single submitter. Criteria: Ambry Variant Classification Scheme 2023. Collection method: clinical testing. Allele origin: germline.
Comment: The p.S597I variant (also known as c.1790G>T), located in coding exon 1 of the MLH3 gene, results from a G to T substitution at nucleotide position 1790. The serine at codon 597 is replaced by isoleucine, an amino acid with dissimilar properties. This amino acid position is conserved. In addition, this alteration is predicted to be tolerated by in silico analysis. Based on the available evidence, the clinical significance of this alteration remains unclear.

Labcorp Genetics (formerly Invitae), Labcorp
Classification: Uncertain significance for Colorectal cancer, hereditary nonpolyposis, type 7. Last evaluated: 2022-11-08. Review status: criteria provided, single submitter. Criteria: Invitae Variant Classification Sherloc (09022015). Collection method: clinical testing. Allele origin: germline.
Comment: In summary, the available evidence is currently insufficient to determine the role of this variant in disease. Therefore, it has been classified as a Variant of Uncertain Significance. Algorithms developed to predict the effect of missense changes on protein structure and function are either unavailable or do not agree on the potential impact of this missense change (SIFT: "Deleterious"; PolyPhen-2: "Possibly Damaging"; Align-GVGD: "Class C0"). ClinVar contains an entry for this variant (Variation ID: 970467). This variant has not been reported in the literature in individuals affected with MLH3-related conditions. This variant is not present in population databases (gnomAD no frequency). This sequence change replaces serine, which is neutral and polar, with isoleucine, which is neutral and non-polar, at codon 597 of the MLH3 protein (p.Ser597Ile).